The following is an entry in ClinVar:

ClinVar aggregate classification (germline): Uncertain significance (1 of 4 stars; one submission).

Submission:

GeneDx
Classification: Uncertain significance. Last evaluated: 2024-11-13. Review status: criteria provided, single submitter. Criteria: GeneDx Variant Classification Process June 2021. Collection method: clinical testing. Allele origin: germline. Affected: yes.
Comment: Not observed at significant frequency in large population cohorts (gnomAD); In silico analysis indicates that this missense variant does not alter protein structure/function; Has not been previously published as pathogenic or benign to our knowledge

NM_004787.4(SLIT2):c.3872C>T (p.Ala1291Val)

Gene: SLIT2 (slit guidance ligand 2; plus strand). Cytogenetic location: 4p15.31.
Variant type: single nucleotide variant.
Coding change: c.3872C>T on transcript NM_004787.4 (MANE Select); coding-DNA position 3872, C replaced by T.
Protein change: p.Ala1291Val; replaces alanine 1291 with valine.
Molecular consequence: missense variant.
Genome position (GRCh38, 1-based): chr4:20,616,934, C>T. VCF-style: chr4-20616934-C-T. GRCh37 (hg19) VCF-style: chr4-20618557-C-T.
Other names: c.3860C>T, p.Ala1287Val (NM_001289135.3); c.3848C>T, p.Ala1283Val (NM_001289136.3); short protein forms A1283V, A1287V, A1291V.
Identifiers: ClinVar variation 3899729 (VCV003899729.1).